The following is an entry in ClinVar:

NM_015176.4(FBXO28):c.798G>T (p.Gln266His)

Gene: FBXO28 (F-box protein 28; plus strand). Cytogenetic location: 1q42.11.
Variant type: single nucleotide variant.
Coding change: c.798G>T on transcript NM_015176.4 (MANE Select); coding-DNA position 798, G replaced by T.
Protein change: p.Gln266His; replaces glutamine 266 with histidine.
Molecular consequence: missense variant. On other transcripts: 3 prime UTR variant (1), non-coding transcript variant (1).
Genome position (GRCh38, 1-based): chr1:224,157,437, G>T. VCF-style: chr1-224157437-G-T. GRCh37 (hg19) VCF-style: chr1-224345139-G-T.
Other names: c.*62G>T (NM_001136115.3); short protein forms Q266H.
Identifiers: ClinVar variation 3764383 (VCV003764383.1).

ClinVar aggregate classification (germline): Uncertain significance (1 of 4 stars; one submission).

Submission:

GeneDx
Classification: Uncertain significance. Last evaluated: 2024-08-21. Review status: criteria provided, single submitter. Criteria: GeneDx Variant Classification Process June 2021. Collection method: clinical testing. Allele origin: germline. Affected: yes.
Comment: Not observed at significant frequency in large population cohorts (gnomAD); In silico analysis indicates that this missense variant does not alter protein structure/function; Has not been previously published as pathogenic or benign to our knowledge